The following is an entry in ClinVar:

NM_001330260.2(SCN8A):c.1131A>G (p.Gln377=)

Gene: SCN8A (sodium voltage-gated channel alpha subunit 8; plus strand). Cytogenetic location: 12q13.13.
Variant type: single nucleotide variant.
Coding change: c.1131A>G on transcript NM_001330260.2 (MANE Select); coding-DNA position 1131, A replaced by G.
Protein change: p.Gln377=; no amino-acid change (glutamine 377 retained).
Molecular consequence: synonymous variant.
Genome position (GRCh38, 1-based): chr12:51,702,911, A>G. VCF-style: chr12-51702911-A-G. GRCh37 (hg19) VCF-style: chr12-52096695-A-G.
Other names: c.1131A>G, p.Gln377= (NM_001177984.3, NM_001369788.1, NM_014191.4).
Identifiers: ClinVar variation 698073 (VCV000698073.39), dbSNP rs750815202, ClinGen allele CA6571206.
Genomic context (GRCh38, chr12:51,702,911, plus strand): 5'-CTGGGCCTTCTTGGCATTATTTCGCCTTATGACCCAGGACTATTGGGAAAACTTGTATCA[A>G]TTGGTGAGTAATACCTCTTTTCCTTTGGCCATAGAGTTTGCATGAGCTTATATGGGGTTG-3'
Protein context (NP_001317189.1, residues 367-387): MTQDYWENLY[Gln377=]LTLRAAGKTY

ClinVar aggregate classification (germline): Likely benign. Review status: criteria provided, multiple submitters, no conflicts (2 of 4 stars). 2 submissions from 2 submitters: Likely benign (2). Last evaluated 2025-03-16.

Conditions:
Early-infantile DEE. Also called: Ohtahara syndrome; Early infantile epileptic encephalopathy with suppression bursts; Early infantile epileptic encephalopathy. Identifiers: Orphanet 1934, MedGen C0393706, MONDO:0800491.

Allele frequency attached by ClinVar (database versions not stated): gnomAD 0.00001; gnomAD exomes 0.00002 and 0.00004; TOPMed 0.00004; ExAC 0.00008.
gnomAD v4.1: 29 of 1,595,638 alleles (0.0018%); highest among the groups gnomAD compares: Admixed American, 0.0087%; no homozygotes.

Submissions (2):

Labcorp Genetics (formerly Invitae), Labcorp
Classification: Likely benign for Early-infantile DEE. Last evaluated: 2025-03-16. Review status: criteria provided, single submitter. Criteria: Invitae Variant Classification Sherloc (09022015). Collection method: clinical testing. Allele origin: germline.

CeGaT Center for Human Genetics Tuebingen
Classification: Likely benign. Last evaluated: 2023-02-01. Review status: criteria provided, single submitter. Criteria: CeGaT Center For Human Genetics Tuebingen Variant Classification Criteria Version 2. Collection method: clinical testing. Allele origin: germline. Affected: yes. Observed: 2 variant alleles.
Comment: SCN8A: BP4, BP7